The following is an entry in ClinVar:

NM_032043.3(BRIP1):c.556A>G (p.Lys186Glu)

Gene: BRIP1 (BRCA1 interacting DNA helicase 1; minus strand). Cytogenetic location: 17q23.2.
Variant type: single nucleotide variant.
Coding change: c.556A>G on transcript NM_032043.3 (MANE Select); coding-DNA position 556, A replaced by G.
Protein change: p.Lys186Glu; replaces lysine 186 with glutamic acid.
Molecular consequence: missense variant.
Genome position (GRCh38, 1-based): chr17:61,847,172, T>C on the plus strand (A>G on the coding strand, the complement: BRIP1 is on the minus strand). VCF-style: chr17-61847172-T-C. GRCh37 (hg19) VCF-style: chr17-59924533-T-C.
Other names: p.K186E:AAA>GAA; short protein forms K186E.
Identifiers: ClinVar variation 182332 (VCV000182332.4), dbSNP rs730881624, ClinGen allele CA298831.

ClinVar aggregate classification (germline): Uncertain significance. Review status: criteria provided, multiple submitters, no conflicts (2 of 4 stars). 2 submissions from 2 submitters: Uncertain significance (2). Last evaluated 2022-11-15.

Conditions:
Hereditary cancer-predisposing syndrome. Also called: Tumor predisposition; Hereditary Cancer Syndrome; Hereditary neoplastic syndrome; Neoplastic Syndromes, Hereditary. Identifiers: Orphanet 140162, MedGen C0027672, MeSH D009386, MONDO:0015356.

Submissions (2):

Ambry Genetics
Classification: Uncertain significance for Hereditary cancer-predisposing syndrome. Last evaluated: 2022-11-15. Review status: criteria provided, single submitter. Criteria: Ambry Variant Classification Scheme 2023. Collection method: clinical testing. Allele origin: germline.
Comment: The p.K186E variant (also known as c.556A>G), located in coding exon 5 of the BRIP1 gene, results from an A to G substitution at nucleotide position 556. The lysine at codon 186 is replaced by glutamic acid, an amino acid with similar properties. This amino acid position is conserved. In addition, this alteration is predicted to be tolerated by in silico analysis. Since supporting evidence is limited at this time, the clinical significance of this alteration remains unclear.

GeneDx
Classification: Uncertain significance. Last evaluated: 2014-08-21. Review status: criteria provided, single submitter. Criteria: GeneDx Variant Classification (06012015). Collection method: clinical testing. Allele origin: germline. Affected: yes.
Comment: This variant is denoted BRIP1 c.556A>G at the cDNA level, p.Lys186Glu (K186E) at the protein level, and results in the change of a Lysine to a Glutamic Acid (AAA>GAA). This variant has not, to our knowledge, been published in the literature as pathogenic or benign. BRIP1 Lys186Glu was not observed in approximately 6,500 individuals of European and African American ancestry in the NHLBI Exome Sequencing Project, indicating it is not a common benign variant in these populations. Since Lysine and Glutamic Acid differ in polarity, charge, size or other properties, this is considered a non-conservative amino acid substitution. BRIP1 Lys186Glu occurs at a position that is moderately conserved across species and is located within the nucleotide binding region of the Helicase ATP-binding domain. In silico analyses predict that this variant is unlikely to alter protein structure or function. Based on currently available information, it is unclear whether BRIP1 Lys186Glu is pathogenic or benign. We consider it to be a variant of uncertain significance.